The following is an entry in ClinVar:

NM_002711.4(PPP1R3A):c.628C>T (p.Arg210Cys)

Gene: PPP1R3A (protein phosphatase 1 regulatory subunit 3A; minus strand). Cytogenetic location: 7q31.1.
Variant type: single nucleotide variant.
Coding change: c.628C>T on transcript NM_002711.4 (MANE Select); coding-DNA position 628, C replaced by T.
Protein change: p.Arg210Cys; replaces arginine 210 with cysteine.
Molecular consequence: missense variant.
Genome position (GRCh38, 1-based): chr7:113,918,369, G>A on the plus strand (C>T on the coding strand, the complement: PPP1R3A is on the minus strand). VCF-style: chr7-113918369-G-A. GRCh37 (hg19) VCF-style: chr7-113558424-G-A.
Other names: short protein forms R210C.
Identifiers: ClinVar variation 549522 (VCV000549522.3), dbSNP rs141223649, ClinGen allele CA4445450.

ClinVar aggregate classification (germline): Uncertain significance (1 of 4 stars; one submission).

Conditions:
Monogenic diabetes. Identifiers: Orphanet 183625, MedGen C3888631, MONDO:0015967.

Allele frequency attached by ClinVar (database versions not stated): gnomAD exomes 0.00032; ExAC 0.00039; 1000 Genomes Project 30x 0.00094; 1000 Genomes Project 0.00100; gnomAD 0.00102; TOPMed 0.00116; ESP Exome Variant Server 0.00185.
gnomAD v4.1: 281 of 1,613,214 alleles (0.017%); highest among the groups gnomAD compares: African/African-American, 0.28%; 2 homozygotes.

Submission:

Personalized Diabetes Medicine Program, University of Maryland School of Medicine
Classification: Uncertain significance for Monogenic diabetes. Last evaluated: 2017-04-07. Review status: criteria provided, single submitter. Criteria: ACMG Guidelines, 2015. Collection method: research. Allele origin: unknown. Observed: 1 variant allele, 1 heterozygote. Study: Personalized Diabetes Medicine Program.
Comment: ACMG Criteria:PP3 (6 predictors), BP4 (4 predictors)